The following is an entry in ClinVar:

NM_001164508.2(NEB):c.24282_24285del (p.Asn8094fs)

Genes: NEB (nebulin; minus strand), RIF1 (replication timing regulatory factor 1; plus strand). Cytogenetic location: 2q23.3.
Variant type: Deletion.
Coding change: c.24282_24285del on transcript NM_001164508.2 (MANE Select); coding-DNA positions 24282 to 24285, 4 bases deleted (TCAA; older notation c.24282_24285delTCAA).
Protein change: p.Asn8094fs; shifts the reading frame from asparagine 8094.
Molecular consequence: frameshift variant. On other transcripts: intron variant (1).
Genome position (GRCh38, 1-based): chr2:151,497,641-151,497,644, TTGA deleted on the plus strand (TCAA on the coding strand, the reverse complement: NEB is on the minus strand); deleting any 4 consecutive bases within chr2:151,497,641-151,497,647 gives the same sequence; the c. name uses the placement nearest the transcript's 3' end. VCF-style (leftmost placement, unchanged base first): chr2-151497640-CTTGA-C. GRCh37 (hg19) VCF-style: chr2-152354154-CTTGA-C.
Other names: c.24387_24390del (NM_001271208.1); c.24282_24285del, p.Asn8094fs (NM_001164507.2); c.24384_24387delCAAT, p.Asn8129Lysfs (NM_001271208.1); c.24387_24390del, p.Asn8129fs (NM_001271208.2); c.18826-1276_18826-1273del (NM_004543.5); short protein forms N8094fs, N8129fs.
Identifiers: ClinVar variation 2677091 (VCV002677091.8), dbSNP rs2551853566, ClinGen allele CA2661451005.
Genomic context (GRCh38, chr2:151,497,640, plus strand): 5'-TCAAAATCATTAAATAAGTAGTTTTTTTCTTTTCTTGCCAAAGTACCGAGCTAATATTTT[CTTGA>C]TTGTGTTTGACTCTTTCCATCTCGGGAGTGACAGGTAAAGGGGTTCCCTTGCCCATGTTT-3'

ClinVar aggregate classification (germline): Pathogenic/Likely pathogenic. Review status: criteria provided, multiple submitters, no conflicts (2 of 4 stars). 4 submissions from 4 submitters: Pathogenic (1); Likely pathogenic (3). Last evaluated 2025-03-24.

Conditions:
Arthrogryposis multiplex congenita 6. Identifiers: MedGen C5543431, MONDO:0030281, OMIM 619334.
Nemaline myopathy 2 (NEM2). Also called: Nemaline myopathy 2, autosomal recessive. Identifiers: MedGen C1850569, MONDO:0009725, OMIM 256030.

Submissions (4):

Natera, Inc.
Classification: Likely pathogenic for Nemaline myopathy type 2. Last evaluated: 2025-03-24. Review status: criteria provided, single submitter. Criteria: Natera Variant Classification Schema (03/2026). Collection method: clinical testing. Allele origin: germline.
Comment: The c.24387_24390del variant in NEB is a frameshift variant predicted to shift the reading frame beginning at codon 8129 and leads to a stop codon 50 codons downstream. This variant is expected to result in nonsense mediated decay, truncation, or a dysfunctional protein product. This variant is rare in the general population with a frequency below the threshold expected for the associated phenotype(s). Given the available evidence, this variant is classified as Likely Pathogenic.

Fulgent Genetics
Classification: Likely pathogenic for Nemaline myopathy 2; Arthrogryposis multiplex congenita 6. Last evaluated: 2024-01-23. Review status: criteria provided, single submitter. Criteria: ACMG Guidelines, 2015. Collection method: clinical testing. Allele origin: germline.

Baylor Genetics
Classification: Likely pathogenic for Arthrogryposis multiplex congenita 6. Last evaluated: 2023-11-04. Review status: criteria provided, single submitter. Criteria: ACMG Guidelines, 2015. Collection method: clinical testing. Allele origin: unknown.

Labcorp Genetics (formerly Invitae), Labcorp
Classification: Pathogenic for Nemaline myopathy 2. Last evaluated: 2023-05-23. Review status: criteria provided, single submitter. Criteria: Invitae Variant Classification Sherloc (09022015). Collection method: clinical testing. Allele origin: germline.
Comment: This sequence change creates a premature translational stop signal (p.Asn8129Lysfs*50) in the NEB gene. It is expected to result in an absent or disrupted protein product. Loss-of-function variants in NEB are known to be pathogenic (PMID: 25205138). This variant is not present in population databases (gnomAD no frequency). This variant has not been reported in the literature in individuals affected with NEB-related conditions. For these reasons, this variant has been classified as Pathogenic.

Literature cited by the submitters: PubMed 25205138 (cited by Labcorp Genetics (formerly Invitae), Labcorp).